The following is an entry in ClinVar:

ClinVar aggregate classification (germline): Uncertain significance (1 of 4 stars; one submission).

Conditions:
Hyperphosphatasia with impaired intellectual development syndrome 2. Also called: Hyperphosphatasia with intellectual disability syndrome 2; GLYCOSYLPHOSPHATIDYLINOSITOL BIOSYNTHESIS DEFECT 6. Identifiers: Orphanet 247262, MedGen C3553637, MONDO:0013882, OMIM 614749.

Allele frequency attached by ClinVar (database versions not stated): gnomAD exomes below 0.00001.
gnomAD v4.1: 1 of 1,614,226 alleles (0.000062%); highest among the groups gnomAD compares: South Asian, 0.0011%; no homozygotes.

Submission:

Labcorp Genetics (formerly Invitae), Labcorp
Classification: Uncertain significance for Hyperphosphatasia with impaired intellectual development syndrome 2. Last evaluated: 2022-02-06. Review status: criteria provided, single submitter. Criteria: Invitae Variant Classification Sherloc (09022015). Collection method: clinical testing. Allele origin: germline.
Comment: In summary, the available evidence is currently insufficient to determine the role of this variant in disease. Therefore, it has been classified as a Variant of Uncertain Significance. Algorithms developed to predict the effect of missense changes on protein structure and function output the following: SIFT: "Tolerated"; PolyPhen-2: "Benign"; Align-GVGD: "Class C0". The threonine amino acid residue is found in multiple mammalian species, which suggests that this missense change does not adversely affect protein function. This variant has not been reported in the literature in individuals affected with PIGO-related conditions. This variant is not present in population databases (gnomAD no frequency). This sequence change replaces proline, which is neutral and non-polar, with threonine, which is neutral and polar, at codon 613 of the PIGO protein (p.Pro613Thr).

NM_032634.4(PIGO):c.1837C>A (p.Pro613Thr)

Gene: PIGO (phosphatidylinositol glycan anchor biosynthesis class O; minus strand). Cytogenetic location: 9p13.3.
Variant type: single nucleotide variant.
Coding change: c.1837C>A on transcript NM_032634.4 (MANE Select); coding-DNA position 1837, C replaced by A.
Protein change: p.Pro613Thr; replaces proline 613 with threonine.
Molecular consequence: missense variant. On other transcripts: intron variant (2).
Genome position (GRCh38, 1-based): chr9:35,092,050, G>T on the plus strand (C>A on the coding strand, the complement: PIGO is on the minus strand). VCF-style: chr9-35092050-G-T. GRCh37 (hg19) VCF-style: chr9-35092047-G-T.
Other names: c.1344+493C>A (NM_152850.4, NM_001201484.2); short protein forms P613T.
Identifiers: ClinVar variation 2093720 (VCV002093720.4), dbSNP rs1317472404, ClinGen allele CA373321315.